The following is an entry in ClinVar:

ClinVar aggregate classification (germline): Uncertain significance. Review status: criteria provided, multiple submitters, no conflicts (2 of 4 stars). 2 submissions from 2 submitters: Uncertain significance (2). Last evaluated 2025-09-05.

Conditions:
Inborn genetic diseases. Identifiers: MedGen C0950123, MeSH D030342.
Retinitis pigmentosa 59 (RP59). Identifiers: Orphanet 791, MedGen C3151227, MONDO:0013468, OMIM 613861.

Allele frequency attached by ClinVar (database versions not stated): gnomAD 0.00001; TOPMed 0.00001; gnomAD exomes 0.00002; ExAC 0.00003; ESP Exome Variant Server 0.00008.
gnomAD v4.1: 27 of 1,613,968 alleles (0.0017%); highest among the groups gnomAD compares: Middle Eastern, 0.016%; no homozygotes.

Submissions (2):

Ambry Genetics
Classification: Uncertain significance for Inborn genetic diseases. Last evaluated: 2025-09-05. Review status: criteria provided, single submitter. Criteria: Ambry Variant Classification Scheme 2023. Collection method: clinical testing. Allele origin: germline.

Labcorp Genetics (formerly Invitae), Labcorp
Classification: Uncertain significance for Retinitis pigmentosa 59. Last evaluated: 2024-09-23. Review status: criteria provided, single submitter. Criteria: Invitae Variant Classification Sherloc (09022015). Collection method: clinical testing. Allele origin: germline.
Comment: This sequence change replaces arginine, which is basic and polar, with tryptophan, which is neutral and slightly polar, at codon 63 of the DHDDS protein (p.Arg63Trp). This variant is present in population databases (rs148606976, gnomAD 0.003%). This variant has not been reported in the literature in individuals affected with DHDDS-related conditions. ClinVar contains an entry for this variant (Variation ID: 2159381). Invitae Evidence Modeling of protein sequence and biophysical properties (such as structural, functional, and spatial information, amino acid conservation, physicochemical variation, residue mobility, and thermodynamic stability) indicates that this missense variant is not expected to disrupt DHDDS protein function with a negative predictive value of 80%. In summary, the available evidence is currently insufficient to determine the role of this variant in disease. Therefore, it has been classified as a Variant of Uncertain Significance.

NM_205861.3(DHDDS):c.187C>T (p.Arg63Trp)

Gene: DHDDS (dehydrodolichyl diphosphate synthase subunit; plus strand). Cytogenetic location: 1p36.11.
Variant type: single nucleotide variant.
Coding change: c.187C>T on transcript NM_205861.3 (MANE Select); coding-DNA position 187, C replaced by T.
Protein change: p.Arg63Trp; replaces arginine 63 with tryptophan.
Molecular consequence: missense variant. On other transcripts: 5 prime UTR variant (1).
Genome position (GRCh38, 1-based): chr1:26,442,737, C>T. VCF-style: chr1-26442737-C-T. GRCh37 (hg19) VCF-style: chr1-26769228-C-T.
Other names: c.187C>T, p.Arg63Trp (NM_001243564.2, NM_001243565.2, NM_024887.4); c.-93C>T (NM_001319959.2); c.187C>T (NM_024887.3); short protein forms R63W.
Identifiers: ClinVar variation 2159381 (VCV002159381.3), dbSNP rs148606976, ClinGen allele CA705269.